The following is an entry in ClinVar:

ClinVar aggregate classification (germline): Uncertain significance. Review status: criteria provided, multiple submitters, no conflicts (2 of 4 stars). 2 submissions from 2 submitters: Uncertain significance (2). Last evaluated 2024-07-24.

Conditions:
Inborn genetic diseases. Identifiers: MedGen C0950123, MeSH D030342.
Methylmalonic acidemia due to methylmalonyl-CoA epimerase deficiency. Also called: METHYLMALONYL-CoA RACEMASE DEFICIENCY; METHYLMALONIC ACIDURIA III; Methylmalonyl-CoA Epimerase Deficiency. Identifiers: Orphanet 308425, MedGen C1855100, MONDO:0009615, OMIM 251120.

Allele frequency attached by ClinVar (database versions not stated): gnomAD 0.00001.
gnomAD v4.1: 2 of 1,613,780 alleles (0.00012%); highest among the groups gnomAD compares: African/African-American, 0.0027%; no homozygotes.

Submissions (2):

Labcorp Genetics (formerly Invitae), Labcorp
Classification: Uncertain significance for Methylmalonic acidemia due to methylmalonyl-CoA epimerase deficiency. Last evaluated: 2024-07-24. Review status: criteria provided, single submitter. Criteria: Invitae Variant Classification Sherloc (09022015). Collection method: clinical testing. Allele origin: germline.
Comment: This sequence change replaces isoleucine, which is neutral and non-polar, with threonine, which is neutral and polar, at codon 159 of the MCEE protein (p.Ile159Thr). This variant is not present in population databases (gnomAD no frequency). This variant has not been reported in the literature in individuals affected with MCEE-related conditions. An algorithm developed to predict the effect of missense changes on protein structure and function (PolyPhen-2) suggests that this variant is likely to be disruptive. In summary, the available evidence is currently insufficient to determine the role of this variant in disease. Therefore, it has been classified as a Variant of Uncertain Significance.

Ambry Genetics
Classification: Uncertain significance for Inborn genetic diseases. Last evaluated: 2024-01-23. Review status: criteria provided, single submitter. Criteria: Ambry Variant Classification Scheme 2023. Collection method: clinical testing. Allele origin: germline.

NM_032601.4(MCEE):c.476T>C (p.Ile159Thr)

Gene: MCEE (methylmalonyl-CoA epimerase; minus strand). Cytogenetic location: 2p13.3.
Variant type: single nucleotide variant.
Coding change: c.476T>C on transcript NM_032601.4 (MANE Select); coding-DNA position 476, T replaced by C.
Protein change: p.Ile159Thr; replaces isoleucine 159 with threonine.
Molecular consequence: missense variant.
Genome position (GRCh38, 1-based): chr2:71,110,025, A>G on the plus strand (T>C on the coding strand, the complement: MCEE is on the minus strand). VCF-style: chr2-71110025-A-G. GRCh37 (hg19) VCF-style: chr2-71337155-A-G.
Other names: short protein forms I159T.
Identifiers: ClinVar variation 3124212 (VCV003124212.3), dbSNP rs1672854438, ClinGen allele CA347180351.